The following is an entry in ClinVar:

ClinVar aggregate classification (germline): Likely pathogenic (1 of 4 stars; one submission).

Submission:

Dasa
Classification: Likely pathogenic. Last evaluated: 2025-09-27. Review status: criteria provided, single submitter. Criteria: DASA Assertion Criteria. Collection method: clinical testing. Allele origin: germline.
Comment: NM_014727.3(KMT2B):c.2279_2280insACAGCCATAGCT (p.Pro763*) is a nonsense variant in KMT2B predicted to introduce a premature termination codon and is predicted to result in an absent or altered protein product. Loss of function is an established disease mechanism for KMT2B (PMID: 33098801; PMID: 33150406; PMID: 36288966). Also, this variant is absent from population databases. Based on the currently available evidence, this variant is classified as likely pathogenic.

Literature cited by the submitters: PubMed 33098801; PubMed 33150406; PubMed 36288966.

NM_014727.3(KMT2B):c.2279_2280insACAGCCATAGCT (p.Pro762_Pro763insTerGlnPro)

Gene: KMT2B (lysine methyltransferase 2B; plus strand). Cytogenetic location: 19q13.12.
Variant type: Insertion.
Coding change: c.2279_2280insACAGCCATAGCT on transcript NM_014727.3 (MANE Select); coding-DNA positions 2279 to 2280, ACAGCCATAGCT inserted.
Protein change: p.Pro762_Pro763insTerGlnPro.
Molecular consequence: nonsense, inframe insertion.
Genome position: GRCh38 VCF-style: chr19-35721622-C-CAGCTACAGCCAT. GRCh37 (hg19) VCF-style: chr19-36212524-C-CAGCTACAGCCAT.
Identifiers: ClinVar variation 4880797 (VCV004880797.2).